The following is an entry in ClinVar:

NM_030665.4(RAI1):c.3690G>A (p.Ala1230=)

Gene: RAI1 (retinoic acid induced 1; plus strand). Cytogenetic location: 17p11.2.
Variant type: single nucleotide variant.
Coding change: c.3690G>A on transcript NM_030665.4 (MANE Select); coding-DNA position 3690, G replaced by A.
Protein change: p.Ala1230=; no amino-acid change (alanine 1230 retained).
Molecular consequence: synonymous variant.
Genome position (GRCh38, 1-based): chr17:17,796,638, G>A. VCF-style: chr17-17796638-G-A. GRCh37 (hg19) VCF-style: chr17-17699952-G-A.
Other names: c.3690G>A (NM_030665.3).
Identifiers: ClinVar variation 1567346 (VCV001567346.10), dbSNP rs760757169, ClinGen allele CA8418787.

ClinVar aggregate classification (germline): Likely benign. Review status: criteria provided, single submitter (1 of 4 stars). 2 submissions from 2 submitters: Likely benign (1). 1 of the submissions does not count toward it. Last evaluated 2026-01-06.

Conditions:
RAI1-related disorder. Also called: RAI1-related condition.

Allele frequency attached by ClinVar (database versions not stated): gnomAD exomes 0.00001; ExAC 0.00002.
gnomAD v4.1: 6 of 1,611,806 alleles (0.00037%); highest among the groups gnomAD compares: South Asian, 0.0044%; no homozygotes.

Submissions (2):

Labcorp Genetics (formerly Invitae), Labcorp
Classification: Likely benign. Last evaluated: 2026-01-06. Review status: criteria provided, single submitter. Criteria: Invitae Variant Classification Sherloc (09022015). Collection method: clinical testing. Allele origin: germline.

PreventionGenetics, part of Exact Sciences
Classification: Likely benign for RAI1-related condition. Last evaluated: 2022-07-05. Review status: no assertion criteria provided. Collection method: clinical testing. Allele origin: germline. Not counted in ClinVar's aggregate classification.
Comment: This variant is classified as likely benign based on ACMG/AMP sequence variant interpretation guidelines (Richards et al. 2015 PMID: 25741868, with internal and published modifications).